The following is an entry in ClinVar:

ClinVar aggregate classification (germline): Uncertain significance (1 of 4 stars; one submission).

Conditions:
Hypertrophic cardiomyopathy. Also called: HYPERTROPHIC MYOCARDIOPATHY. Identifiers: Orphanet 217569, MedGen C0007194, MeSH D002312, MONDO:0005045, HP:0001639.

gnomAD v4.1: 26 of 1,597,212 alleles (0.0016%); highest among the groups gnomAD compares: Non-Finnish European, 0.0022%; no homozygotes.

Submission:

Labcorp Genetics (formerly Invitae), Labcorp
Classification: Uncertain significance for Hypertrophic cardiomyopathy. Last evaluated: 2025-10-01. Review status: criteria provided, single submitter. Criteria: Invitae Variant Classification Sherloc (09022015). Collection method: clinical testing. Allele origin: germline.
Comment: This sequence change replaces serine, which is neutral and polar, with phenylalanine, which is neutral and non-polar, at codon 94 of the MYOM1 protein (p.Ser94Phe). This variant is present in population databases (rs761148558, gnomAD 0.006%). This variant has not been reported in the literature in individuals affected with MYOM1-related conditions. ClinVar contains an entry for this variant (Variation ID: 2121660). An algorithm developed to predict the effect of missense changes on protein structure and function (PolyPhen-2) suggests that this variant is likely to be tolerated. In summary, the available evidence is currently insufficient to determine the role of this variant in disease. Therefore, it has been classified as a Variant of Uncertain Significance.

NM_003803.4(MYOM1):c.281C>T (p.Ser94Phe)

Gene: MYOM1 (myomesin 1; minus strand). Cytogenetic location: 18p11.31.
Variant type: single nucleotide variant.
Coding change: c.281C>T on transcript NM_003803.4 (MANE Select); coding-DNA position 281, C replaced by T.
Protein change: p.Ser94Phe; replaces serine 94 with phenylalanine.
Molecular consequence: missense variant.
Genome position (GRCh38, 1-based): chr18:3,214,943, G>A on the plus strand (C>T on the coding strand, the complement: MYOM1 is on the minus strand). VCF-style: chr18-3214943-G-A. GRCh37 (hg19) VCF-style: chr18-3214941-G-A.
Other names: c.281C>T, p.Ser94Phe (NM_019856.2); short protein forms S94F.
Identifiers: ClinVar variation 2121660 (VCV002121660.4), dbSNP rs761148558, ClinGen allele CA8875309.